The following is an entry in ClinVar:

ClinVar aggregate classification (germline): Uncertain significance. Review status: criteria provided, multiple submitters, no conflicts (2 of 4 stars). 3 submissions from 3 submitters: Uncertain significance (3). Last evaluated 2026-01-19.

Conditions:
Hereditary cancer-predisposing syndrome. Also called: Hereditary Cancer Syndrome; Neoplastic Syndromes, Hereditary; Hereditary neoplastic syndrome; Tumor predisposition. Identifiers: Orphanet 140162, MedGen C0027672, MeSH D009386, MONDO:0015356.
Gorlin syndrome. Also called: Nevoid Basal Cell Carcinoma Syndrome; Basal cell nevus syndrome. Identifiers: Orphanet 377, MedGen C0004779, MONDO:0007187.

Allele frequency attached by ClinVar (database versions not stated): gnomAD 0.00001; gnomAD exomes 0.00001; TOPMed 0.00001.
gnomAD v4.1: 10 of 1,613,142 alleles (0.00062%); highest among the groups gnomAD compares: African/African-American, 0.0027%; no homozygotes.

Submissions (3):

Labcorp Genetics (formerly Invitae), Labcorp
Classification: Uncertain significance for Gorlin syndrome. Last evaluated: 2026-01-19. Review status: criteria provided, single submitter. Criteria: Invitae Variant Classification Sherloc (09022015). Collection method: clinical testing. Allele origin: germline.
Comment: This sequence change replaces alanine, which is neutral and non-polar, with valine, which is neutral and non-polar, at codon 578 of the PTCH1 protein (p.Ala578Val). This variant is not present in population databases (gnomAD no frequency). This variant has not been reported in the literature in individuals affected with PTCH1-related conditions. ClinVar contains an entry for this variant (Variation ID: 819935). Invitae Evidence Modeling of protein sequence and biophysical properties (such as structural, functional, and spatial information, amino acid conservation, physicochemical variation, residue mobility, and thermodynamic stability) has been performed for this missense variant. However, the output from this modeling did not meet the statistical confidence thresholds required to predict the impact of this variant on PTCH1 protein function. In summary, the available evidence is currently insufficient to determine the role of this variant in disease. Therefore, it has been classified as a Variant of Uncertain Significance.

Ambry Genetics
Classification: Uncertain significance for Hereditary cancer-predisposing syndrome. Last evaluated: 2024-01-02. Review status: criteria provided, single submitter. Criteria: Ambry Variant Classification Scheme 2023. Collection method: clinical testing. Allele origin: germline.
Comment: The p.A578V variant (also known as c.1733C>T), located in coding exon 13 of the PTCH1 gene, results from a C to T substitution at nucleotide position 1733. The alanine at codon 578 is replaced by valine, an amino acid with similar properties. This amino acid position is highly conserved in available vertebrate species. In addition, this alteration is predicted to be deleterious by in silico analysis. Since supporting evidence is limited at this time, the clinical significance of this alteration remains unclear.

Institute for Clinical Genetics, University Hospital TU Dresden, University Hospital TU Dresden
Classification: Uncertain significance. Last evaluated: 2021-11-03. Review status: criteria provided, single submitter. Criteria: ACMG Guidelines, 2015. Collection method: clinical testing. Allele origin: germline.

NM_000264.5(PTCH1):c.1733C>T (p.Ala578Val)

Genes: PTCH1 (patched 1; minus strand), LOC100507346 (uncharacterized LOC100507346; plus strand). Cytogenetic location: 9q22.32.
Variant type: single nucleotide variant.
Coding change: c.1733C>T on transcript NM_000264.5 (MANE Select); coding-DNA position 1733, C replaced by T.
Protein change: p.Ala578Val; replaces alanine 578 with valine.
Molecular consequence: missense variant. On other transcripts: non-coding transcript variant (2).
Genome position (GRCh38, 1-based): chr9:95,469,927, G>A on the plus strand (C>T on the coding strand, the complement: PTCH1 is on the minus strand). VCF-style: chr9-95469927-G-A. GRCh37 (hg19) VCF-style: chr9-98232209-G-A.
Other names: c.1535C>T, p.Ala512Val (NM_001083602.3); c.1730C>T, p.Ala577Val (NM_001083603.3); c.1280C>T, p.Ala427Val (NM_001083604.3, NM_001083605.3, NM_001083606.3 and 1 more transcripts); c.1577C>T, p.Ala526Val (NM_001354918.2); short protein forms A427V, A526V, A512V, A578V, A577V.
Identifiers: ClinVar variation 819935 (VCV000819935.16), dbSNP rs960630296, ClinGen allele CA196587651.